The following is an entry in ClinVar:

NM_006514.4(SCN10A):c.2384C>T (p.Ala795Val)

Gene: SCN10A (sodium voltage-gated channel alpha subunit 10; minus strand). Cytogenetic location: 3p22.2.
Variant type: single nucleotide variant.
Coding change: c.2384C>T on transcript NM_006514.4 (MANE Select); coding-DNA position 2384, C replaced by T.
Protein change: p.Ala795Val; replaces alanine 795 with valine.
Molecular consequence: missense variant.
Genome position (GRCh38, 1-based): chr3:38,728,798, G>A on the plus strand (C>T on the coding strand, the complement: SCN10A is on the minus strand). VCF-style: chr3-38728798-G-A. GRCh37 (hg19) VCF-style: chr3-38770289-G-A.
Other names: c.2384C>T, p.Ala795Val (NM_001293306.2); c.2090C>T, p.Ala697Val (NM_001293307.2); c.2384C>T (NM_006514.2); short protein forms A697V, A795V.
Identifiers: ClinVar variation 1440302 (VCV001440302.7), dbSNP rs781527310, ClinGen allele CA2320555.

ClinVar aggregate classification (germline): Uncertain significance. Review status: criteria provided, multiple submitters, no conflicts (2 of 4 stars). 2 submissions from 2 submitters: Uncertain significance (2). Last evaluated 2026-07-24.

Conditions:
Cardiovascular phenotype. Identifiers: MedGen CN230736.
Brugada syndrome. Also called: Sudden unexpected nocturnal death syndrome; Sudden unexplained nocturnal death syndrome; Sudden Unexplained Death Syndrome; Sudden Unexplained Nocturnal Death Syndrome (SUNDS). Identifiers: Orphanet 130, MedGen C1142166, MONDO:0015263.

Allele frequency attached by ClinVar (database versions not stated): ExAC 0.00001; gnomAD 0.00001; gnomAD exomes below 0.00001; TOPMed 0.00001.
gnomAD v4.1: 1 of 1,614,000 alleles (0.000062%); highest among the groups gnomAD compares: African/African-American, 0.0013%; no homozygotes.

Submissions (2):

Ambry Genetics
Classification: Uncertain significance for Cardiovascular phenotype. Last evaluated: 2026-07-24. Review status: criteria provided, single submitter. Criteria: Ambry Variant Classification Scheme 2023. Collection method: clinical testing. Allele origin: germline.
Comment: The p.A795V variant (also known as c.2384C>T), located in coding exon 15 of the SCN10A gene, results from a C to T substitution at nucleotide position 2384. The alanine at codon 795 is replaced by valine, an amino acid with similar properties. This amino acid position is conserved. In addition, the in silico prediction for this alteration is inconclusive. Based on the available evidence, the clinical significance of this variant remains unclear.

Labcorp Genetics (formerly Invitae), Labcorp
Classification: Uncertain significance for Brugada syndrome. Last evaluated: 2021-08-07. Review status: criteria provided, single submitter. Criteria: Invitae Variant Classification Sherloc (09022015). Collection method: clinical testing. Allele origin: germline.
Comment: Advanced modeling of protein sequence and biophysical properties (such as structural, functional, and spatial information, amino acid conservation, physicochemical variation, residue mobility, and thermodynamic stability) performed at Invitae indicates that this missense variant is expected to disrupt SCN10A protein function. This variant has not been reported in the literature in individuals affected with SCN10A-related conditions. This sequence change replaces alanine with valine at codon 795 of the SCN10A protein (p.Ala795Val). The alanine residue is highly conserved and there is a small physicochemical difference between alanine and valine. This variant is present in population databases (rs781527310, ExAC 0.006%). In summary, the available evidence is currently insufficient to determine the role of this variant in disease. Therefore, it has been classified as a Variant of Uncertain Significance.